The following is an entry in ClinVar:

ClinVar aggregate classification (germline): Uncertain significance (1 of 4 stars; one submission).

Conditions:
Developmental delay, behavioral abnormalities, and neuropsychiatric disorders (DEDBANP). Identifiers: MedGen C5774224, MONDO:0859292, OMIM 620065.

gnomAD v4.1: 2 of 1,613,842 alleles (0.00012%); highest among the groups gnomAD compares: Non-Finnish European, 0.00017%; no homozygotes.

Submission:

3billion
Classification: Uncertain significance for Developmental delay, behavioral abnormalities, and neuropsychiatric disorders. Last evaluated: 2024-07-18. Review status: criteria provided, single submitter. Criteria: ACMG Guidelines, 2015. Collection method: clinical testing. Allele origin: germline. Affected: yes.
Comment: The variant is observed at an extremely low frequency in the gnomAD v4.0.0 dataset (total allele frequency: <0.001%). Predicted Consequence/Location: Missense variant In silico tool predictions suggest damaging effect of the variant on gene or gene product [REVEL: 0.65 (>=0.6, sensitivity 0.68 and specificity 0.92); 3Cnet: 0.70 (>=0.6, sensitivity 0.72 and precision 0.9)]. Therefore, this variant is classified as VUS according to the recommendation of ACMG/AMP guideline.

NM_014921.5(ADGRL1):c.823A>G (p.Ile275Val)

Genes: ADGRL1 (adhesion G protein-coupled receptor L1; minus strand), ADGRL1-AS1 (ADGRL1 antisense RNA 1; plus strand). Cytogenetic location: 19p13.12.
Variant type: single nucleotide variant.
Coding change: c.823A>G on transcript NM_014921.5 (MANE Select); coding-DNA position 823, A replaced by G.
Protein change: p.Ile275Val; replaces isoleucine 275 with valine.
Molecular consequence: missense variant.
Genome position (GRCh38, 1-based): chr19:14,162,978, T>C on the plus strand (A>G on the coding strand, the complement: ADGRL1 is on the minus strand). VCF-style: chr19-14162978-T-C. GRCh37 (hg19) VCF-style: chr19-14273790-T-C.
Other names: c.838A>G, p.Ile280Val (NM_001008701.3); short protein forms I275V, I280V.
Identifiers: ClinVar variation 4072267 (VCV004072267.1).